The following is an entry in ClinVar:

NM_003383.5(VLDLR):c.835C>T (p.Arg279Ter)

Gene: VLDLR (very low density lipoprotein receptor; plus strand). Cytogenetic location: 9p24.2.
Variant type: single nucleotide variant.
Coding change: c.835C>T on transcript NM_003383.5 (MANE Select); coding-DNA position 835, C replaced by T.
Protein change: p.Arg279Ter; replaces arginine 279 with a stop codon.
Molecular consequence: nonsense.
Genome position (GRCh38, 1-based): chr9:2,643,642, C>T. VCF-style: chr9-2643642-C-T. GRCh37 (hg19) VCF-style: chr9-2643642-C-T.
Other names: c.835C>T, p.Arg279Ter (NM_001018056.3); c.712C>T, p.Arg238Ter (NM_001322225.2, NM_001322226.2); short protein forms R238*, R279*.
Identifiers: ClinVar variation 1223471 (VCV001223471.9), dbSNP rs1428899305, ClinGen allele CA372791936.

ClinVar aggregate classification (germline): Pathogenic. Review status: criteria provided, multiple submitters, no conflicts (2 of 4 stars). 4 submissions from 4 submitters: Pathogenic (3). 1 of the submissions does not count toward it. Last evaluated 2024-05-31.

Conditions:
Cerebellar ataxia, impaired intellectual development, and dysequilibrium syndrome 1. Also called: Cerebellar hypoplasia and mental retardation with or without quadrupedal locomotion 1; VLDLR Cerebellar Hypoplasia; Cerebellar ataxia, mental retardation, and dysequilibrium syndrome 1; Cerebellar ataxia, intellectual disability, and dysequilibrium syndrome 1; CEREBELLAR ATAXIA AND MENTAL RETARDATION WITH OR WITHOUT QUADRUPEDAL LOCOMOTION 1; CEREBELLAR ATAXIA, CONGENITAL, AND MENTAL RETARDATION, AUTOSOMAL RECESSIVE. Identifiers: Orphanet 1766, MedGen C4551552, MONDO:0024542, OMIM 224050.

Allele frequency attached by ClinVar (database versions not stated): gnomAD exomes 0.00001.
gnomAD v4.1: 7 of 1,614,150 alleles (0.00043%); highest among the groups gnomAD compares: Admixed American, 0.0017%; no homozygotes.

Submissions (4):

Fulgent Genetics
Classification: Pathogenic for Cerebellar ataxia, impaired intellectual development, and dysequilibrium syndrome 1. Last evaluated: 2024-05-31. Review status: criteria provided, single submitter. Criteria: ACMG Guidelines, 2015. Collection method: clinical testing. Allele origin: germline.

Labcorp Genetics (formerly Invitae), Labcorp
Classification: Pathogenic. Last evaluated: 2023-02-22. Review status: criteria provided, single submitter. Criteria: Invitae Variant Classification Sherloc (09022015). Collection method: clinical testing. Allele origin: germline.
Comment: This variant is present in population databases (no rsID available, gnomAD 0.003%). For these reasons, this variant has been classified as Pathogenic. ClinVar contains an entry for this variant (Variation ID: 1223471). This premature translational stop signal has been observed in individual(s) with clinical features of VLDLR-related conditions (PMID: 22532556). This sequence change creates a premature translational stop signal (p.Arg279*) in the VLDLR gene. It is expected to result in an absent or disrupted protein product. Loss-of-function variants in VLDLR are known to be pathogenic (PMID: 18043714, 18326629, 22532556).

GeneDx
Classification: Pathogenic. Last evaluated: 2020-02-20. Review status: criteria provided, single submitter. Criteria: GeneDx Variant Classification Process June 2021. Collection method: clinical testing. Allele origin: germline. Affected: yes.
Comment: Nonsense variant predicted to result in protein truncation or nonsense mediated decay in a gene for which loss-of-function is a known mechanism of disease; Not observed at a significant frequency in large population cohorts (Lek et al., 2016); This variant is associated with the following publications: (PMID: 22532556)

Medical Genetics Laboratory, AJA University of Medical Sciences
Classification: Pathogenic for Cerebellar ataxia, impaired intellectual development, and dysequilibrium syndrome 1. Last evaluated: 2024-05-01. Review status: no assertion criteria provided. Collection method: clinical testing. Allele origin: germline. Affected: yes. Observed: 1 homozygote. Not counted in ClinVar's aggregate classification.

Literature cited by the submitters: PubMed 22532556 (cited by Labcorp Genetics (formerly Invitae), Labcorp); PubMed 18043714 (cited by Labcorp Genetics (formerly Invitae), Labcorp); PubMed 18326629 (cited by Labcorp Genetics (formerly Invitae), Labcorp).